The following is an entry in ClinVar:

ClinVar aggregate classification (germline): Likely benign (0 of 4 stars; one submission).

Conditions:
DLGAP1-related disorder. Also called: DLGAP1-related condition.

Allele frequency attached by ClinVar (database versions not stated): gnomAD 0.00003; ESP Exome Variant Server 0.00008; TOPMed 0.00014; ExAC 0.00025.

Submission:

PreventionGenetics, part of Exact Sciences
Classification: Likely benign for DLGAP1-related condition. Last evaluated: 2020-01-06. Review status: no assertion criteria provided. Collection method: clinical testing. Allele origin: germline.
Comment: This variant is classified as likely benign based on ACMG/AMP sequence variant interpretation guidelines (Richards et al. 2015 PMID: 25741868, with internal and published modifications).

NM_004746.4(DLGAP1):c.421C>T (p.Leu141=)

Genes: DLGAP1 (DLG associated protein 1; minus strand), DLGAP1-AS3 (DLGAP1 antisense RNA 3; plus strand). Cytogenetic location: 18p11.31.
Variant type: single nucleotide variant.
Coding change: c.421C>T on transcript NM_004746.4 (MANE Select); coding-DNA position 421, C replaced by T.
Protein change: p.Leu141=; no amino-acid change (leucine 141 retained).
Molecular consequence: synonymous variant.
Genome position (GRCh38, 1-based): chr18:3,879,648, G>A on the plus strand (C>T on the coding strand, the complement: DLGAP1 is on the minus strand). VCF-style: chr18-3879648-G-A. GRCh37 (hg19) VCF-style: chr18-3879648-G-A.
Other names: c.421C>T, p.Leu141= (NM_001242761.2, NM_001398525.1, NM_001398526.1 and 2 more transcripts).
Identifiers: ClinVar variation 3051867 (VCV003051867.2), dbSNP rs141559337, ClinGen allele CA8876744.
Genomic context (GRCh38, chr18:3,879,648, plus strand): 5'-CCTTGGACGGCCCCTCCAGGGAGTGCGACTTGGTGAAGAGCTTCTGGACCGAGTGCACCA[G>A]GTGGCGGATGCGGCCGGGGCTGTCGCTGCGGTGCTCCACGGCCGTGCGCTTGTACTGCAG-3'
Protein context (NP_004737.2, residues 131-151): RSDSPGRIRH[Leu141=]VHSVQKLFTK